The following is an entry in ClinVar:

NM_018480.7(TMEM126B):c.148del (p.Arg50fs)

Gene: TMEM126B (transmembrane protein 126B; plus strand). Cytogenetic location: 11q14.1.
Variant type: Deletion.
Coding change: c.148del on transcript NM_018480.7 (MANE Select); coding-DNA position 148, one base deleted (A; older notation c.148delA).
Protein change: p.Arg50fs; shifts the reading frame from arginine 50.
Molecular consequence: frameshift variant. On other transcripts: non-coding transcript variant (2), intron variant (2).
Genome position (GRCh38, 1-based): chr11:85,631,753, A deleted; the last of 2 consecutive A bases (chr11:85,631,752-85,631,753); deleting either gives the same sequence. VCF-style (leftmost placement, unchanged base first): chr11-85631751-GA-G. GRCh37 (hg19) VCF-style: chr11-85342795-GA-G.
Other names: c.88del, p.Arg30fs (NM_001193537.3, NM_001350395.2); c.58del, p.Arg20fs (NM_001193538.3, NM_001256546.2, NM_001350396.2); c.148del, p.Arg50fs (NM_001350394.2); c.66-2333del (NM_001256547.2); c.82-2333del (NM_001350393.1); c.148delA (NM_018480.4); short protein forms R20fs, R30fs, R50fs.
Identifiers: ClinVar variation 4778794 (VCV004778794.2).

ClinVar aggregate classification (germline): Pathogenic/Likely pathogenic. Review status: criteria provided, multiple submitters, no conflicts (2 of 4 stars). 2 submissions from 2 submitters: Pathogenic (1); Likely pathogenic (1). Last evaluated 2026-06-27.

Conditions:
TMEM126B-related disorder. Also called: TMEM126B-related condition.

Submissions (2):

PreventionGenetics, part of Exact Sciences
Classification: Likely pathogenic for TMEM126B-related condition. Last evaluated: 2026-06-27. Review status: criteria provided, single submitter. Criteria: ACMG Guidelines, 2015. Collection method: clinical testing. Allele origin: germline.
Comment: The TMEM126B c.148delA variant is predicted to result in a frameshift and premature protein termination (p.Arg50Aspfs*5). To our knowledge, this variant has not been reported in the literature or in a large population database (gnomAD), indicating this variant is rare. Frameshift variants in TMEM126B are expected to be pathogenic. This variant is interpreted as likely pathogenic.

Labcorp Genetics (formerly Invitae), Labcorp
Classification: Pathogenic. Last evaluated: 2025-08-23. Review status: criteria provided, single submitter. Criteria: Invitae Variant Classification Sherloc (09022015). Collection method: clinical testing. Allele origin: germline.
Comment: This sequence change creates a premature translational stop signal (p.Arg50Aspfs*5) in the TMEM126B gene. It is expected to result in an absent or disrupted protein product. Loss-of-function variants in TMEM126B are known to be pathogenic (PMID: 27374774). This variant is not present in population databases (gnomAD no frequency). This variant has not been reported in the literature in individuals affected with TMEM126B-related conditions. Algorithms developed to predict the effect of sequence changes on RNA splicing suggest that this variant may disrupt the consensus splice site. For these reasons, this variant has been classified as Pathogenic.

Literature cited by the submitters: PubMed 27374774 (cited by Labcorp Genetics (formerly Invitae), Labcorp).